The following is an entry in ClinVar:

ClinVar aggregate classification (germline): Uncertain significance (1 of 4 stars; one submission).

Conditions:
Parathyroid carcinoma (PRTC). Also called: CDC73-Related Parathyroid Carcinoma; Parathyroid gland carcinoma. Identifiers: Orphanet 143, MedGen C0687150, MONDO:0012004, OMIM 608266, HP:0006780.

Allele frequency attached by ClinVar (database versions not stated): gnomAD exomes below 0.00001.
gnomAD v4.1: 1 of 1,610,570 alleles (0.000062%); highest among the groups gnomAD compares: South Asian, 0.0011%; no homozygotes.

Submission:

Labcorp Genetics (formerly Invitae), Labcorp
Classification: Uncertain significance for Parathyroid carcinoma. Last evaluated: 2021-08-17. Review status: criteria provided, single submitter. Criteria: Invitae Variant Classification Sherloc (09022015). Collection method: clinical testing. Allele origin: germline.
Comment: In summary, the available evidence is currently insufficient to determine the role of this variant in disease. Therefore, it has been classified as a Variant of Uncertain Significance. Algorithms developed to predict the effect of missense changes on protein structure and function (SIFT, PolyPhen-2, Align-GVGD) all suggest that this variant is likely to be tolerated. This variant has not been reported in the literature in individuals affected with CDC73-related conditions. This variant is not present in population databases (ExAC no frequency). This sequence change replaces proline with leucine at codon 138 of the CDC73 protein (p.Pro138Leu). The proline residue is highly conserved and there is a moderate physicochemical difference between proline and leucine.

NM_024529.5(CDC73):c.413C>T (p.Pro138Leu)

Gene: CDC73 (cell division cycle 73; plus strand). Cytogenetic location: 1q31.2.
Variant type: single nucleotide variant.
Coding change: c.413C>T on transcript NM_024529.5 (MANE Select); coding-DNA position 413, C replaced by T.
Protein change: p.Pro138Leu; replaces proline 138 with leucine.
Molecular consequence: missense variant.
Genome position (GRCh38, 1-based): chr1:193,135,579, C>T. VCF-style: chr1-193135579-C-T. GRCh37 (hg19) VCF-style: chr1-193104709-C-T.
Other names: short protein forms P138L.
Identifiers: ClinVar variation 1375578 (VCV001375578.6), dbSNP rs2103121717, ClinGen allele CA343960773.